The following is an entry in ClinVar:

ClinVar aggregate classification (germline): Benign. Review status: criteria provided, multiple submitters, no conflicts (2 of 4 stars). 3 submissions from 3 submitters: Benign (3). Last evaluated 2021-05-10.

Conditions:
Deficiency of isobutyryl-CoA dehydrogenase. Also called: ACYL-CoA DEHYDROGENASE FAMILY, MEMBER 8, DEFICIENCY OF; IBD DEFICIENCY; ACAD8 DEFICIENCY. Identifiers: Orphanet 79159, MedGen C1969809, MONDO:0012648, OMIM 611283.

Allele frequency attached by ClinVar (database versions not stated): gnomAD exomes 0.00585; gnomAD 0.04620 and 0.04943; 1000 Genomes Project 0.04952; 1000 Genomes Project 30x 0.05262; TOPMed 0.05330.

Submissions (3):

GeneDx
Classification: Benign. Last evaluated: 2021-05-10. Review status: criteria provided, single submitter. Criteria: GeneDx Variant Classification Process June 2021. Collection method: clinical testing. Allele origin: germline. Affected: yes.

Illumina Laboratory Services, Illumina
Classification: Benign for Deficiency of isobutyryl-CoA dehydrogenase. Last evaluated: 2018-01-13. Review status: criteria provided, single submitter. Criteria: ICSL Variant Classification Criteria 13 December 2019. Collection method: clinical testing. Allele origin: germline.
Comment: This variant was observed in the ICSL laboratory as part of a predisposition screen in an ostensibly healthy population. It had not been previously curated by ICSL or reported in the Human Gene Mutation Database (HGMD: prior to June 1st, 2018), and was therefore a candidate for classification through an automated scoring system. Utilizing variant allele frequency, disease prevalence and penetrance estimates, and inheritance mode, an automated score was calculated to assess if this variant is too frequent to cause the disease. Based on the score and internal cut-off values, a variant classified as benign is not then subjected to further curation. The score for this variant resulted in a classification of benign for this disease.

Breakthrough Genomics
Classification: Benign. Review status: criteria provided, single submitter. Criteria: ACMG Guidelines, 2015. Collection method: not provided. Allele origin: germline. Inheritance: Autosomal recessive inheritance. Affected: yes.

NM_014384.3(ACAD8):c.*202A>C

Gene: ACAD8 (acyl-CoA dehydrogenase family member 8; plus strand). Cytogenetic location: 11q25.
Variant type: single nucleotide variant.
Coding change: c.*202A>C on transcript NM_014384.3 (MANE Select); 202 bases downstream of the stop codon, A replaced by C.
Molecular consequence: 3 prime UTR variant.
Genome position (GRCh38, 1-based): chr11:134,265,162, A>C. VCF-style: chr11-134265162-A-C. GRCh37 (hg19) VCF-style: chr11-134135056-A-C.
Identifiers: ClinVar variation 877416 (VCV000877416.7), dbSNP rs79738869, ClinGen allele CA231282368.